The following is an entry in ClinVar:

ClinVar aggregate classification (germline): Uncertain significance. Review status: criteria provided, multiple submitters, no conflicts (2 of 4 stars). 2 submissions from 2 submitters: Uncertain significance (2). Last evaluated 2020-02-14.

Allele frequency attached by ClinVar (database versions not stated): gnomAD 0.00001; gnomAD exomes 0.00001; TOPMed 0.00001.

Submissions (2):

Labcorp Genetics (formerly Invitae), Labcorp
Classification: Uncertain significance. Last evaluated: 2020-02-14. Review status: criteria provided, single submitter. Criteria: Invitae Variant Classification Sherloc (09022015). Collection method: clinical testing. Allele origin: germline.
Comment: In summary, the available evidence is currently insufficient to determine the role of this variant in disease. Therefore, it has been classified as a Variant of Uncertain Significance. This sequence change replaces serine with leucine at codon 2017 of the PRPF8 protein (p.Ser2017Leu). The serine residue is highly conserved and there is a large physicochemical difference between serine and leucine. This variant is not present in population databases (ExAC no frequency). This variant has not been reported in the literature in individuals with PRPF8-related conditions. Algorithms developed to predict the effect of missense changes on protein structure and function are either unavailable or do not agree on the potential impact of this missense change (SIFT: "Deleterious"; PolyPhen-2: "Benign"; Align-GVGD: "Class C0").

Blueprint Genetics
Classification: Uncertain significance. Last evaluated: 2019-08-13. Review status: criteria provided, single submitter. Criteria: ACMG Guidelines, 2015. Collection method: clinical testing. Allele origin: germline.

NM_006445.4(PRPF8):c.6050C>T (p.Ser2017Leu)

Gene: PRPF8 (pre-mRNA processing factor 8; minus strand). Cytogenetic location: 17p13.3.
Variant type: single nucleotide variant.
Coding change: c.6050C>T on transcript NM_006445.4 (MANE Select); coding-DNA position 6050, C replaced by T.
Protein change: p.Ser2017Leu; replaces serine 2017 with leucine.
Molecular consequence: missense variant.
Genome position (GRCh38, 1-based): chr17:1,653,954, G>A on the plus strand (C>T on the coding strand, the complement: PRPF8 is on the minus strand). VCF-style: chr17-1653954-G-A. GRCh37 (hg19) VCF-style: chr17-1557248-G-A.
Other names: short protein forms S2017L.
Identifiers: ClinVar variation 1021682 (VCV001021682.6), dbSNP rs914967064, ClinGen allele CA286854278.